The following is an entry in ClinVar:

NM_007347.5(AP4E1):c.151-142C>T

Gene: AP4E1 (adaptor related protein complex 4 subunit epsilon 1; plus strand). Cytogenetic location: 15q21.2.
Variant type: single nucleotide variant.
Coding change: c.151-142C>T on transcript NM_007347.5 (MANE Select); 142 bases into the intron before coding-DNA position 151, C replaced by T.
Molecular consequence: intron variant.
Genome position (GRCh38, 1-based): chr15:50,911,936, C>T. VCF-style: chr15-50911936-C-T. GRCh37 (hg19) VCF-style: chr15-51204133-C-T.
Other names: c.-98-142C>T (NM_001252127.2).
Identifiers: ClinVar variation 678000 (VCV000678000.1), dbSNP rs3816717, ClinGen allele CA14170321.

ClinVar aggregate classification (germline): Benign (1 of 4 stars; one submission).

Allele frequency attached by ClinVar (database versions not stated): TOPMed 0.19150; gnomAD 0.19446 and 0.19597; 1000 Genomes Project 30x 0.19535; 1000 Genomes Project 0.19828.
gnomAD v4.1: 146,604 of 718,426 alleles (20%); highest among the groups gnomAD compares: South Asian, 24%; 15,373 homozygotes.

Submission:

GeneDx
Classification: Benign. Last evaluated: 2018-06-16. Review status: criteria provided, single submitter. Criteria: GeneDx Variant Classification (06012015). Collection method: clinical testing. Allele origin: germline. Affected: yes.
Comment: This variant is considered likely benign or benign based on one or more of the following criteria: it is a conservative change, it occurs at a poorly conserved position in the protein, it is predicted to be benign by multiple in silico algorithms, and/or has population frequency not consistent with disease.